The following is an entry in ClinVar:

NM_001142800.2(EYS):c.7873T>C (p.Cys2625Arg)

Gene: EYS (EGF-like photoreceptor maintenance factor; minus strand). Cytogenetic location: 6q12.
Variant type: single nucleotide variant.
Coding change: c.7873T>C on transcript NM_001142800.2 (MANE Select); coding-DNA position 7873, T replaced by C.
Protein change: p.Cys2625Arg; replaces cysteine 2625 with arginine.
Molecular consequence: missense variant.
Genome position (GRCh38, 1-based): chr6:63,778,031, A>G on the plus strand (T>C on the coding strand, the complement: EYS is on the minus strand). VCF-style: chr6-63778031-A-G. GRCh37 (hg19) VCF-style: chr6-64487924-A-G.
Other names: c.7873T>C (NM_001142800.1); c.7873T>C, p.Cys2625Arg (NM_001292009.2); short protein forms C2625R.
Identifiers: ClinVar variation 1016328 (VCV001016328.6), dbSNP rs751128329, ClinGen allele CA140242854.

ClinVar aggregate classification (germline): Uncertain significance. Review status: criteria provided, multiple submitters, no conflicts (2 of 4 stars). 3 submissions from 3 submitters: Uncertain significance (2). 1 of the submissions does not count toward it. Last evaluated 2025-08-26.

Conditions:
Inborn genetic diseases. Identifiers: MedGen C0950123, MeSH D030342.
Retinitis pigmentosa 25 (RP25). Identifiers: Orphanet 791, MedGen C1864446, MONDO:0011272, OMIM 602772.

Allele frequency attached by ClinVar (database versions not stated): gnomAD 0.00001; TOPMed 0.00001.
gnomAD v4.1: 1 of 1,551,576 alleles (0.000064%); highest among the groups gnomAD compares: Admixed American, 0.002%; no homozygotes.

Submissions (3):

Ambry Genetics
Classification: Uncertain significance for Inborn genetic diseases. Last evaluated: 2025-08-26. Review status: criteria provided, single submitter. Criteria: Ambry Variant Classification Scheme 2023. Collection method: clinical testing. Allele origin: germline.

Labcorp Genetics (formerly Invitae), Labcorp
Classification: Uncertain significance. Last evaluated: 2021-11-06. Review status: criteria provided, single submitter. Criteria: Invitae Variant Classification Sherloc (09022015). Collection method: clinical testing. Allele origin: germline.
Comment: This sequence change replaces cysteine, which is neutral and slightly polar, with arginine, which is basic and polar, at codon 2625 of the EYS protein (p.Cys2625Arg). This variant is not present in population databases (gnomAD no frequency). This variant has not been reported in the literature in individuals affected with EYS-related conditions. ClinVar contains an entry for this variant (Variation ID: 1016328). Algorithms developed to predict the effect of missense changes on protein structure and function (SIFT, PolyPhen-2, Align-GVGD) all suggest that this variant is likely to be disruptive. In summary, the available evidence is currently insufficient to determine the role of this variant in disease. Therefore, it has been classified as a Variant of Uncertain Significance.

Natera, Inc.
Classification: Uncertain significance for Retinitis pigmentosa type 25. Last evaluated: 2020-12-28. Review status: no assertion criteria provided. Collection method: clinical testing. Allele origin: germline. Not counted in ClinVar's aggregate classification.